The following is an entry in ClinVar:

ClinVar aggregate classification (germline): Uncertain significance (1 of 4 stars; one submission).

Conditions:
ABCB6-related disorder. Also called: ABCB6-related condition.

Submission:

PreventionGenetics, part of Exact Sciences
Classification: Uncertain significance for ABCB6-related condition. Last evaluated: 2023-01-05. Review status: criteria provided, single submitter. Criteria: ACMG Guidelines, 2015. Collection method: clinical testing. Allele origin: germline.
Comment: The ABCB6 c.1619T>G variant is predicted to result in the amino acid substitution p.Leu540Arg. To our knowledge, this variant has not been reported in the literature or in a large population database, indicating this variant is rare. At this time, the clinical significance of this variant is uncertain due to the absence of conclusive functional and genetic evidence.

NM_005689.4(ABCB6):c.1619T>G (p.Leu540Arg)

Gene: ABCB6 (ATP binding cassette subfamily B member 6 (LAN blood group); minus strand). Cytogenetic location: 2q35.
Variant type: single nucleotide variant.
Coding change: c.1619T>G on transcript NM_005689.4 (MANE Select); coding-DNA position 1619, T replaced by G.
Protein change: p.Leu540Arg; replaces leucine 540 with arginine.
Molecular consequence: missense variant.
Genome position (GRCh38, 1-based): chr2:219,213,626, A>C on the plus strand (T>G on the coding strand, the complement: ABCB6 is on the minus strand). VCF-style: chr2-219213626-A-C. GRCh37 (hg19) VCF-style: chr2-220078348-A-C.
Other names: c.1481T>G, p.Leu494Arg (NM_001349828.2); short protein forms L494R, L540R.
Identifiers: ClinVar variation 2629864 (VCV002629864.1), dbSNP rs2544852935, ClinGen allele CA350634735.